The following is an entry in ClinVar:

ClinVar aggregate classification (germline): Conflicting classifications of pathogenicity. Review status: criteria provided, conflicting classifications (1 of 4 stars). 6 submissions from 6 submitters: Likely pathogenic (4); Uncertain significance (1). 1 of the submissions does not count toward it. Last evaluated 2025-11-24.

Conditions:
Mitochondrial disease. Also called: Mitochondrial disorder; Mitochondrial disorders. Identifiers: Orphanet 68380, MedGen C0751651, MeSH D028361, MONDO:0044970.
Mitochondrial DNA depletion syndrome, myopathic form (MTDPS2). Also called: MITOCHONDRIAL DNA DEPLETION SYNDROME 2 (MYOPATHIC TYPE); MITOCHONDRIAL DNA DEPLETION MYOPATHY, TK2-RELATED; TK2-Related Mitochondrial DNA Maintenance Defect, Myopathic Form. Identifiers: Orphanet 254875, MedGen C3149750, MONDO:0012301, OMIM 609560.
Progressive external ophthalmoplegia with mitochondrial DNA deletions, autosomal recessive 3 (PEOB3). Also called: PROGRESSIVE EXTERNAL OPHTHALMOPLEGIA, AUTOSOMAL RECESSIVE 3. Identifiers: Orphanet 254886, MedGen C4310734, MONDO:0014898, OMIM 617069.
Inborn mitochondrial myopathy. Also called: Mitochondrial Myopathies; Mitochondrial myopathy. Identifiers: Orphanet 206966, MedGen C0162670, MONDO:0009637, HP:0003737.

Allele frequency attached by ClinVar (database versions not stated): TOPMed 0.00001; gnomAD exomes below 0.00001 and 0.00001.
gnomAD v4.1: 1 of 1,614,036 alleles (0.000062%); highest among the groups gnomAD compares: East Asian, 0.0022%; no homozygotes.

Submissions (6):

Genomenon, Inc
Classification: Likely pathogenic for Mitochondrial disease. Last evaluated: 2025-11-24. Review status: criteria provided, single submitter. Criteria: Genomenon Sequence Variant Interpretation Standards - Updated. Collection method: curation. Allele origin: germline. Affected: yes.
Comment: TK2 p.Leu220Pro (c.659T>C) is a missense variant that changes the amino acid at residue 220 from Leucine to Proline. This variant has been observed in multiple probands affected with mitochondrial disease in the compound heterozygous state, with a pathogenic or likely pathogenic variant confirmed in trans in at least one proband (33013660, 35289132, 37715114, 38831166, 40098049). This variant is not present at a significant frequency in gnomAD and in silico models agree that this variant is possibly or probably damaging. In conclusion, we classify TK2 p.Leu220Pro (c.659T>C) as a likely pathogenic variant.

Fulgent Genetics
Classification: Likely pathogenic for Mitochondrial DNA depletion syndrome, myopathic form; Progressive external ophthalmoplegia with mitochondrial DNA deletions, autosomal recessive 3. Last evaluated: 2024-04-29. Review status: criteria provided, single submitter. Criteria: ACMG Guidelines, 2015. Collection method: clinical testing. Allele origin: germline.

Women's Health and Genetics/Laboratory Corporation of America, LabCorp
Classification: Uncertain significance. Last evaluated: 2024-04-19. Review status: criteria provided, single submitter. Criteria: LabCorp Variant Classification Summary - May 2015. Collection method: clinical testing. Allele origin: germline.
Comment: Variant summary: TK2 c.659T>C (p.Leu220Pro) results in a non-conservative amino acid change located in the Deoxynucleoside kinase domain (IPR031314) of the encoded protein sequence. Five of five in-silico tools predict a damaging effect of the variant on protein function. The variant allele was found at a frequency of 8e-06 in 251330 control chromosomes (gnomAD). c.659T>C has been reported in the literature in individuals affected with features of Mitochondrial DNA Depletion Syndrome - TK2 Related (e.g. Wu_2018, Hu_2020). These data indicate that the variant may be associated with disease. To our knowledge, no experimental evidence demonstrating an impact on protein function has been reported. The following publications have been ascertained in the context of this evaluation (PMID: 29783828, 33013660, 35289132). ClinVar contains an entry for this variant (Variation ID: 972913). Based on the evidence outlined above, the variant was classified as VUS-possibly pathogenic.

Labcorp Genetics (formerly Invitae), Labcorp
Classification: Likely pathogenic. Last evaluated: 2023-03-23. Review status: criteria provided, single submitter. Criteria: Invitae Variant Classification Sherloc (09022015). Collection method: clinical testing. Allele origin: germline.
Comment: This variant is present in population databases (no rsID available, gnomAD 0.006%). This sequence change replaces leucine, which is neutral and non-polar, with proline, which is neutral and non-polar, at codon 220 of the TK2 protein (p.Leu220Pro). This missense change has been observed in individuals with TK2-related conditions (PMID: 29783828, 33013660, 35289132). ClinVar contains an entry for this variant (Variation ID: 972913). Advanced modeling of protein sequence and biophysical properties (such as structural, functional, and spatial information, amino acid conservation, physicochemical variation, residue mobility, and thermodynamic stability) performed at Invitae indicates that this missense variant is expected to disrupt TK2 protein function. In summary, the currently available evidence indicates that the variant is pathogenic, but additional data are needed to prove that conclusively. Therefore, this variant has been classified as Likely Pathogenic.

The Molecular Genetic and Pathologic Diagnosis Center of Neuromuscular Disorder, Children's Hospital of Fudan University
Classification: Likely pathogenic for mitochondrial DNA depletion syndrome 2 (myopathic type). Last evaluated: 2019-12-01. Review status: criteria provided, single submitter. Criteria: ACMG Guidelines, 2015. Collection method: clinical testing. Allele origin: germline. Affected: yes.

Department of Cardiology, The Fifth Hospital of Shanxi Medical University
Classification: Uncertain significance for Inborn mitochondrial myopathy. Review status: no assertion criteria provided. Collection method: clinical testing. Allele origin: germline. Affected: yes. Observed: 1 heterozygote. Not counted in ClinVar's aggregate classification.
Comment: DNA mutations of TK2 often affect the function of skeletal muscle, which is associated with a progressive myopathy (mitochondrial myopathy, MM).

Literature cited by the submitters: PubMed 33013660 (cited by 3 submitters); PubMed 35289132 (cited by 3 submitters); PubMed 37715114 (cited by Genomenon, Inc); PubMed 38831166 (cited by Genomenon, Inc); PubMed 40098049 (cited by Genomenon, Inc); PubMed 29783828 (cited by Women's Health and Genetics/Laboratory Corporation of America, LabCorp and Labcorp Genetics (formerly Invitae), Labcorp).

NM_004614.5(TK2):c.659T>C (p.Leu220Pro)

Gene: TK2 (thymidine kinase 2; minus strand). Cytogenetic location: 16q21.
Variant type: single nucleotide variant.
Coding change: c.659T>C on transcript NM_004614.5 (MANE Select); coding-DNA position 659, T replaced by C.
Protein change: p.Leu220Pro; replaces leucine 220 with proline.
Molecular consequence: missense variant. On other transcripts: non-coding transcript variant (1).
Genome position (GRCh38, 1-based): chr16:66,513,771, A>G on the plus strand (T>C on the coding strand, the complement: TK2 is on the minus strand). VCF-style: chr16-66513771-A-G. GRCh37 (hg19) VCF-style: chr16-66547674-A-G.
Other names: c.566T>C, p.Leu189Pro (NM_001172643.1); c.584T>C, p.Leu195Pro (NM_001172644.2); c.605T>C, p.Leu202Pro (NM_001172645.2); c.512T>C, p.Leu171Pro (NM_001271934.2); c.397T>C, p.Ser133Pro (NM_001271935.1); c.368T>C, p.Leu123Pro (NM_001272050.2); c.659T>C (NM_004614.4); short protein forms L123P, L189P, L202P, S133P, L171P, L195P, L220P.
Identifiers: ClinVar variation 972913 (VCV000972913.13), dbSNP rs1168827071, ClinGen allele CA396187178.
Genomic context (GRCh38, chr16:66,513,771, plus strand): 5'-TGTAAGGGAGTCTTACTTACCAGAACAGGGGCTGCCATGGGGAAAAGGCTGCCTTTGATG[A>G]GCCACTCCTCATGGAGATGGTGAATTGCTTCCAGGTATTCCTGCCAGGGAAACACAAGCA-3'
Protein context (NP_004605.4, residues 210-230): EAIHHLHEEW[Leu220Pro]IKGSLFPMAA